The following is an entry in ClinVar:

NM_000126.4(ETFA):c.3G>A (p.Met1Ile)

Gene: ETFA (electron transfer flavoprotein subunit alpha; minus strand). Cytogenetic location: 15q24.3.
Variant type: single nucleotide variant.
Coding change: c.3G>A on transcript NM_000126.4 (MANE Select); coding-DNA position 3, G replaced by A.
Protein change: p.Met1Ile; changes the start codon (methionine 1).
Molecular consequence: missense variant, initiator codon variant.
Genome position (GRCh38, 1-based): chr15:76,311,386, C>T on the plus strand (G>A on the coding strand, the complement: ETFA is on the minus strand). VCF-style: chr15-76311386-C-T. GRCh37 (hg19) VCF-style: chr15-76603727-C-T.
Other names: c.3G>A, p.Met1Ile (NM_001127716.2); short protein forms M1I.
Identifiers: ClinVar variation 4817473 (VCV004817473.2).
Genomic context (GRCh38, chr15:76,311,386, plus strand): 5'-TTCGCCTTCCCAGTCCGGACTCACCGCCCGCCGGAGCTGCCCCGGAGCCGCCGCTCGGAA[C>T]ATGGTCTCCGCTTCCGCCGCAACCTCGGCCTTACAGCAGCCCCGTGCCCGGCCAACTGGC-3'
Protein context (NP_000117.1, residues 1-11): [Met1Ile]FRAAAPGQLR

ClinVar aggregate classification (germline): Pathogenic/Likely pathogenic. Review status: criteria provided, multiple submitters, no conflicts (2 of 4 stars). 2 submissions from 2 submitters: Pathogenic (1); Likely pathogenic (1). Last evaluated 2026-02-09.

Conditions:
Fetal anomalies with a likely genetic cause.
Glutaric acidemia type 2A.

Submissions (2):

Genetics Laboratory, Great Ormond Street Hospital NHS Foundation Trust, North Thames Genomic Laboratory Hub
Classification: Likely pathogenic for Fetal anomalies with a likely genetic cause. Last evaluated: 2026-02-09. Review status: criteria provided, single submitter. Criteria: ACGS Best Practice Guidelines for Variant Classification in Rare Disease 2024 v1.2. Collection method: clinical testing. Allele origin: germline. Affected: yes.
Comment: PM2_moderate, PVS1_moderate, PM3_moderate

Natera, Inc.
Classification: Pathogenic for Glutaric acidemia type 2A. Last evaluated: 2024-07-09. Review status: criteria provided, single submitter. Criteria: Natera Variant Classification Schema (03/2026). Collection method: clinical testing. Allele origin: germline.
Comment: The c.3G>A variant in ETFA is predicted to result in start loss due to disruption of the initiator methionine. This variant is expected to result in nonsense mediated decay, truncation, or a dysfunctional protein product. This variant is rare in the general population with a frequency below the threshold expected for the associated phenotype(s). This variant has been observed in one or more individuals affected with the associated recessive disease, as either homozygous or compound heterozygous with a second variant (PMID: 33768790). Given the available evidence, this variant is classified as Pathogenic.

Literature cited by the submitters: PubMed 33768790 (cited by Natera, Inc.).